The following is an entry in ClinVar:

NM_000540.3(RYR1):c.2195del (p.Pro732fs)

Gene: RYR1 (ryanodine receptor 1; plus strand). Cytogenetic location: 19q13.2.
Variant type: Deletion.
Coding change: c.2195del on transcript NM_000540.3 (MANE Select); coding-DNA position 2195, one base deleted (C; older notation c.2195delC).
Protein change: p.Pro732fs; shifts the reading frame from proline 732.
Molecular consequence: frameshift variant.
Genome position (GRCh38, 1-based): chr19:38,459,173, C deleted; the last of 4 consecutive C bases (chr19:38,459,170-38,459,173); deleting any one gives the same sequence. VCF-style (leftmost placement, unchanged base first): chr19-38459169-TC-T. GRCh37 (hg19) VCF-style: chr19-38949809-TC-T.
Other names: c.2195del, p.Pro732fs (NM_001042723.2); c.2195delC (NM_000540.2); short protein forms P732fs.
Identifiers: ClinVar variation 590497 (VCV000590497.3), dbSNP rs1568452917, ClinGen allele CA891862984.

ClinVar aggregate classification (germline): Conflicting classifications of pathogenicity. Review status: criteria provided, conflicting classifications (1 of 4 stars). 2 submissions from 2 submitters: Likely pathogenic (1); Uncertain significance (1). Last evaluated 2023-02-24.

Conditions:
Malignant hyperthermia, susceptibility to, 1 (MHS1). Also called: Anesthesia related hyperthermia; Malignant hyperpyrexia; Fulminating hyperpyrexia; Pharmacogenic myopathy; RYR1-Related Malignant Hyperthermia Susceptibility; Malignant hyperthermia suceptibility 1. Identifiers: Orphanet 423, MedGen C2930980, MONDO:0007783, OMIM 145600.

Submissions (2):

All of Us Research Program, National Institutes of Health
Classification: Uncertain significance for Malignant hyperthermia, susceptibility to, 1. Last evaluated: 2023-02-24. Review status: criteria provided, single submitter. Criteria: ACMG Guidelines, 2015. Collection method: clinical testing. Allele origin: germline. Inheritance: Autosomal dominant inheritance. Observed: 1 variant allele, 1 heterozygote.
Comment: This pathogenicity assessment is for autosomal dominant malignant hyperthermia susceptibility phenotype. This frameshift variant is predicted to result in an absent RYR1 protein product. Loss of RYR1 function due to haploinsufficiency is associated with congenital myopathy, but it is not an established disease mechanism for autosomal dominant malignant hyperthermia susceptibility. Therefore, this variant is classified as a Variant of Uncertain Significance for malignant hyperthermia susceptibility.

This study involves interpretation of variants in research participants for the purpose of population health screening. Participant phenotype was not available at the time of variant classification. Additional details can be found in publication PMID: 35346344, PMCID: PMC8962531

PreventionGenetics, part of Exact Sciences
Classification: Likely pathogenic. Last evaluated: 2016-08-19. Review status: criteria provided, single submitter. Criteria: ACMG Guidelines, 2015. Collection method: clinical testing. Allele origin: germline.